The following is an entry in ClinVar:

ClinVar aggregate classification (germline): Uncertain significance (1 of 4 stars; one submission).

Conditions:
RFT1-congenital disorder of glycosylation (CDG1N). Also called: CDG In; Congenital disorder of glycosylation type In; RFT1-CDG. Identifiers: Orphanet 244310, MedGen C2677590, MONDO:0012783, OMIM 612015.

Allele frequency attached by ClinVar (database versions not stated): gnomAD exomes below 0.00001; ExAC 0.00001; gnomAD 0.00001; ESP Exome Variant Server 0.00015.
gnomAD v4.1: 2 of 1,600,244 alleles (0.00012%); highest among the groups gnomAD compares: African/African-American, 0.0027%; no homozygotes.

Submission:

Labcorp Genetics (formerly Invitae), Labcorp
Classification: Uncertain significance for RFT1-congenital disorder of glycosylation. Last evaluated: 2022-07-11. Review status: criteria provided, single submitter. Criteria: Invitae Variant Classification Sherloc (09022015). Collection method: clinical testing. Allele origin: germline.
Comment: This sequence change replaces proline, which is neutral and non-polar, with serine, which is neutral and polar, at codon 91 of the RFT1 protein (p.Pro91Ser). This variant is present in population databases (rs147915986, gnomAD 0.007%). This variant has not been reported in the literature in individuals affected with RFT1-related conditions. ClinVar contains an entry for this variant (Variation ID: 1515148). Algorithms developed to predict the effect of missense changes on protein structure and function are either unavailable or do not agree on the potential impact of this missense change (SIFT: "Tolerated"; PolyPhen-2: "Probably Damaging"; Align-GVGD: "Class C15"). In summary, the available evidence is currently insufficient to determine the role of this variant in disease. Therefore, it has been classified as a Variant of Uncertain Significance.

NM_052859.4(RFT1):c.271C>T (p.Pro91Ser)

Gene: RFT1 (RFT1 glycolipid translocator homolog; minus strand). Cytogenetic location: 3p21.1.
Variant type: single nucleotide variant.
Coding change: c.271C>T on transcript NM_052859.4 (MANE Select); coding-DNA position 271, C replaced by T.
Protein change: p.Pro91Ser; replaces proline 91 with serine.
Molecular consequence: missense variant.
Genome position (GRCh38, 1-based): chr3:53,122,559, G>A on the plus strand (C>T on the coding strand, the complement: RFT1 is on the minus strand). VCF-style: chr3-53122559-G-A. GRCh37 (hg19) VCF-style: chr3-53156575-G-A.
Other names: short protein forms P91S.
Identifiers: ClinVar variation 1515148 (VCV001515148.5), dbSNP rs147915986, ClinGen allele CA2451490.